The following is an entry in ClinVar:

ClinVar aggregate classification (germline): Conflicting classifications of pathogenicity. Review status: criteria provided, conflicting classifications (1 of 4 stars). 6 submissions from 6 submitters: Likely pathogenic (1); Uncertain significance (5). Last evaluated 2026-10-02.

Conditions:
Very long chain acyl-CoA dehydrogenase deficiency (ACADVLD). Also called: VLCAD Deficiency; Very Long-Chain Acyl-Coenzyme A Dehydrogenase Deficiency. Identifiers: Orphanet 26793, MedGen C3887523, MONDO:0008723, OMIM 201475.

gnomAD v4.1: 6 of 1,612,760 alleles (0.00037%); highest among the groups gnomAD compares: Non-Finnish European, 0.00051%; no homozygotes.

Submissions (6):

GeneDx
Classification: Uncertain significance. Last evaluated: 2026-10-02. Review status: criteria provided, single submitter. Criteria: GeneDx Variant Classification Process June 2021. Collection method: clinical testing. Allele origin: germline.
Comment: Observed with a second variant in ACADVL in an asymptomatic individual identified by newborn screening (PMID: 32061778); Not observed at significant frequency in large population cohorts (gnomAD); In silico analysis supports that this missense variant has a deleterious effect on protein structure/function; In silico analysis is inconclusive as to whether the variant alters gene splicing. In the absence of RNA/functional studies, the actual effect of this sequence change is unknown.; This variant is associated with the following publications: (PMID: 41702539, 32061778)

Women's Health and Genetics/Laboratory Corporation of America, LabCorp
Classification: Uncertain significance. Last evaluated: 2025-04-08. Review status: criteria provided, single submitter. Criteria: LabCorp Variant Classification Summary - May 2015. Collection method: clinical testing. Allele origin: germline.
Comment: Variant summary: ACADVL c.1081G>A (p.Asp361Asn) results in a conservative amino acid change in the encoded protein sequence. Three of five in-silico tools predict a benign effect of the variant on protein function. The variant allele was found at a frequency of 4e-06 in 251480 control chromosomes. The available data on variant occurrences in the general population are insufficient to allow any conclusion about variant significance. c.1081G>A has been reported in the literature without strong evidence for or against pathogenicity (Miller_2015, Knottnerus_2020). These report(s) do not provide unequivocal conclusions about association of the variant with Very Long Chain Acyl-CoA Dehydrogenase Deficiency. The following publications have been ascertained in the context of this evaluation (PMID: 26385305, 32061778). ClinVar contains an entry for this variant (Variation ID: 891329). Based on the evidence outlined above, the variant was classified as uncertain significance.

Labcorp Genetics (formerly Invitae), Labcorp
Classification: Likely pathogenic for Very long chain acyl-CoA dehydrogenase deficiency. Last evaluated: 2023-12-06. Review status: criteria provided, single submitter. Criteria: Invitae Variant Classification Sherloc (09022015). Collection method: clinical testing. Allele origin: germline.
Comment: This sequence change replaces aspartic acid, which is acidic and polar, with asparagine, which is neutral and polar, at codon 361 of the ACADVL protein (p.Asp361Asn). This variant is present in population databases (no rsID available, gnomAD 0.0009%). This missense change has been observed in individual(s) with very long chain acyl-CoA dehydrogenase deficiency (PMID: 32061778). ClinVar contains an entry for this variant (Variation ID: 891329). Advanced modeling of protein sequence and biophysical properties (such as structural, functional, and spatial information, amino acid conservation, physicochemical variation, residue mobility, and thermodynamic stability) performed at Invitae indicates that this missense variant is expected to disrupt ACADVL protein function with a positive predictive value of 95%. In summary, the currently available evidence indicates that the variant is pathogenic, but additional data are needed to prove that conclusively. Therefore, this variant has been classified as Likely Pathogenic.

Institute of Human Genetics, University of Goettingen
Classification: Uncertain significance for Very long chain acyl-CoA dehydrogenase deficiency. Last evaluated: 2020-05-20. Review status: criteria provided, single submitter. Criteria: ACMG Guidelines, 2015. Collection method: clinical testing. Allele origin: unknown. Inheritance: Autosomal recessive inheritance. Observed: 1 heterozygote.
Comment: The c.1081G>A ACADVL-variant (p.Asp361Asn) is found at a very low frequency within the general population (only one entry in gnomAD) and has a pathogenic computational verdict due to 9 pathogenic predictions from DANN, DEOGEN2, FATHMM-MKL, M-CAP, MVP, MutationTaster, PrimateAI, PolyPhen-2 and SIFT vs 3 benign predictions from EIGEN, MutationAssessor and REVEL. The variant is located within the Acyl-CoA dehydrogenase, C-terminal catalytic domain. The variant affects a highly conserved nucleotide, a moderately conserved amino acid and there is a small physicochemical difference between Asp and Asn. In our facility the variant was found together with the pathogenic variant c.848T>C (p.(Val283Ala), rs113994167, ClinVar Variation ID: 21025), although no segregation analysis was performed to determine whether these variants were located on different alleles. The same combination of variants on different alleles was already reported by Knottnerus, Suzan J G et al. PMID: 32061778. ACMG criteria used for classification: PM1, PM2, PP3.

Wong Mito Lab, Molecular and Human Genetics, Baylor College of Medicine
Classification: Uncertain significance for Very long chain acyl-CoA dehydrogenase deficiency. Last evaluated: 2019-11-01. Review status: criteria provided, single submitter. Criteria: ACMG Guidelines, 2015. Collection method: clinical testing. Allele origin: germline.
Comment: The NM_000018.3:c.1081G>A (NP_000009.1:p.Asp361Asn) [GRCH38: NC_000017.11:g.7223136G>A] variant in ACADVL gene is interpretated to be Uncertain Significance based on ACMG guidelines (PMID: 25741868). This variant has been reported. This variant meets the following evidence codes reported in the ACMG guidelines: PP3

Illumina Laboratory Services, Illumina
Classification: Uncertain significance for Very long chain acyl-CoA dehydrogenase deficiency. Last evaluated: 2018-01-12. Review status: criteria provided, single submitter. Criteria: ICSL Variant Classification Criteria 13 December 2019. Collection method: clinical testing. Allele origin: germline.

Literature cited by the submitters: PubMed 26385305 (cited by Women's Health and Genetics/Laboratory Corporation of America, LabCorp); PubMed 32061778 (cited by Women's Health and Genetics/Laboratory Corporation of America, LabCorp and Labcorp Genetics (formerly Invitae), Labcorp).

NM_000018.4(ACADVL):c.1081G>A (p.Asp361Asn)

Gene: ACADVL (acyl-CoA dehydrogenase very long chain; plus strand). Cytogenetic location: 17p13.1.
Variant type: single nucleotide variant.
Coding change: c.1081G>A on transcript NM_000018.4 (MANE Select); coding-DNA position 1081, G replaced by A.
Protein change: p.Asp361Asn; replaces aspartic acid 361 with asparagine.
Molecular consequence: missense variant.
Genome position (GRCh38, 1-based): chr17:7,223,136, G>A. VCF-style: chr17-7223136-G-A. GRCh37 (hg19) VCF-style: chr17-7126455-G-A.
Other names: c.1015G>A, p.Asp339Asn (NM_001033859.3); c.1150G>A, p.Asp384Asn (NM_001270447.2); c.853G>A, p.Asp285Asn (NM_001270448.2); c.1081G>A (NM_000018.2); short protein forms D285N, D339N, D384N, D361N.
Identifiers: ClinVar variation 891329 (VCV000891329.17), dbSNP rs1331739604, ClinGen allele CA397724313.